The following is an entry in ClinVar:

NM_001122769.3(LCA5):c.812A>G (p.Asn271Ser)

Gene: LCA5 (lebercilin LCA5; minus strand). Cytogenetic location: 6q14.1.
Variant type: single nucleotide variant.
Coding change: c.812A>G on transcript NM_001122769.3 (MANE Select); coding-DNA position 812, A replaced by G.
Protein change: p.Asn271Ser; replaces asparagine 271 with serine.
Molecular consequence: missense variant.
Genome position (GRCh38, 1-based): chr6:79,493,659, T>C on the plus strand (A>G on the coding strand, the complement: LCA5 is on the minus strand). VCF-style: chr6-79493659-T-C. GRCh37 (hg19) VCF-style: chr6-80203376-T-C.
Other names: c.812A>G, p.Asn271Ser (NM_181714.4); short protein forms N271S.
Identifiers: ClinVar variation 2141295 (VCV002141295.2), dbSNP rs139112599, ClinGen allele CA3901022.

ClinVar aggregate classification (germline): Uncertain significance. Review status: criteria provided, multiple submitters, no conflicts (2 of 4 stars). 2 submissions from 2 submitters: Uncertain significance (2). Last evaluated 2024-11-12.

Allele frequency attached by ClinVar (database versions not stated): gnomAD 0.00003; TOPMed 0.00003; ExAC 0.00004; gnomAD exomes 0.00008; ESP Exome Variant Server 0.00015.
gnomAD v4.1: 124 of 1,613,604 alleles (0.0077%); highest among the groups gnomAD compares: East Asian, 0.018%; no homozygotes.

Submissions (2):

Blueprint Genetics
Classification: Uncertain significance. Last evaluated: 2024-11-12. Review status: criteria provided, single submitter. Criteria: ACMG Guidelines, 2015. Collection method: clinical testing. Allele origin: germline.

Labcorp Genetics (formerly Invitae), Labcorp
Classification: Uncertain significance. Last evaluated: 2022-08-20. Review status: criteria provided, single submitter. Criteria: Invitae Variant Classification Sherloc (09022015). Collection method: clinical testing. Allele origin: germline.
Comment: This sequence change replaces asparagine, which is neutral and polar, with serine, which is neutral and polar, at codon 271 of the LCA5 protein (p.Asn271Ser). This variant is present in population databases (rs139112599, gnomAD 0.02%). This variant has not been reported in the literature in individuals affected with LCA5-related conditions. Algorithms developed to predict the effect of missense changes on protein structure and function are either unavailable or do not agree on the potential impact of this missense change (SIFT: "Tolerated"; PolyPhen-2: "Possibly Damaging"; Align-GVGD: "Class C0"). Algorithms developed to predict the effect of sequence changes on RNA splicing suggest that this variant may create or strengthen a splice site. In summary, the available evidence is currently insufficient to determine the role of this variant in disease. Therefore, it has been classified as a Variant of Uncertain Significance.